The following is an entry in ClinVar:

ClinVar aggregate classification (germline): Uncertain significance (1 of 4 stars; one submission).

Conditions:
Developmental and epileptic encephalopathy, 25 (DEE25). Also called: Epileptic encephalopathy, early infantile, 25; Developmental and epileptic encephalopathy 25, with amelogenesis imperfecta; Epileptic encephalopathy, early infantile, 25, with amelogenesis imperfecta. Identifiers: Orphanet 442835, MedGen C4014621, MONDO:0014392, OMIM 615905.

Allele frequency attached by ClinVar (database versions not stated): ExAC 0.00001.
gnomAD v4.1: 1 of 1,532,954 alleles (0.000065%); highest among the groups gnomAD compares: Non-Finnish European, 0.000088%; no homozygotes.

Submission:

Labcorp Genetics (formerly Invitae), Labcorp
Classification: Uncertain significance for Developmental and epileptic encephalopathy, 25. Last evaluated: 2022-02-12. Review status: criteria provided, single submitter. Criteria: Invitae Variant Classification Sherloc (09022015). Collection method: clinical testing. Allele origin: germline.
Comment: In summary, the available evidence is currently insufficient to determine the role of this variant in disease. Therefore, it has been classified as a Variant of Uncertain Significance. Variants that disrupt the consensus splice site are a relatively common cause of aberrant splicing (PMID: 17576681, 9536098). Algorithms developed to predict the effect of sequence changes on RNA splicing suggest that this variant is not likely to affect RNA splicing. This variant has not been reported in the literature in individuals affected with SLC13A5-related conditions. The frequency data for this variant in the population databases is considered unreliable, as metrics indicate poor data quality at this position in the gnomAD database. This sequence change falls in intron 4 of the SLC13A5 gene. It does not directly change the encoded amino acid sequence of the SLC13A5 protein. It affects a nucleotide within the consensus splice site.

Literature cited by the submitters: PubMed 17576681; PubMed 9536098.

NM_177550.5(SLC13A5):c.547+6C>A

Gene: SLC13A5 (solute carrier family 13 member 5; minus strand). Cytogenetic location: 17p13.1.
Variant type: single nucleotide variant.
Coding change: c.547+6C>A on transcript NM_177550.5 (MANE Select); 6 bases into the intron after coding-DNA position 547, C replaced by A.
Molecular consequence: intron variant.
Genome position (GRCh38, 1-based): chr17:6,703,872, G>T on the plus strand (C>A on the coding strand, the complement: SLC13A5 is on the minus strand). VCF-style: chr17-6703872-G-T. GRCh37 (hg19) VCF-style: chr17-6607191-G-T.
Other names: c.418+6C>A (NM_001284510.2); c.496+6C>A (NM_001284509.2); c.547+6C>A (NM_001143838.3).
Identifiers: ClinVar variation 2097331 (VCV002097331.4), dbSNP rs372687638, ClinGen allele CA8331692.